The following is an entry in ClinVar:

ClinVar aggregate classification (germline): Uncertain significance (1 of 4 stars; one submission).

Allele frequency attached by ClinVar (database versions not stated): gnomAD 0.00001; TOPMed 0.00002.
gnomAD v4.1: 60 of 1,536,924 alleles (0.0039%); highest among the groups gnomAD compares: Non-Finnish European, 0.0052%; no homozygotes.

Submission:

Labcorp Genetics (formerly Invitae), Labcorp
Classification: Uncertain significance. Last evaluated: 2022-07-06. Review status: criteria provided, single submitter. Criteria: Invitae Variant Classification Sherloc (09022015). Collection method: clinical testing. Allele origin: germline.
Comment: In summary, the available evidence is currently insufficient to determine the role of this variant in disease. Therefore, it has been classified as a Variant of Uncertain Significance. Advanced modeling of protein sequence and biophysical properties (such as structural, functional, and spatial information, amino acid conservation, physicochemical variation, residue mobility, and thermodynamic stability) performed at Invitae indicates that this missense variant is not expected to disrupt KMT2A protein function. This variant has not been reported in the literature in individuals affected with KMT2A-related conditions. The frequency data for this variant in the population databases is considered unreliable, as metrics indicate poor data quality at this position in the gnomAD database. This sequence change replaces glycine, which is neutral and non-polar, with serine, which is neutral and polar, at codon 141 of the KMT2A protein (p.Gly141Ser).

NM_001197104.2(KMT2A):c.421G>A (p.Gly141Ser)

Gene: KMT2A (lysine methyltransferase 2A; plus strand). Cytogenetic location: 11q23.3.
Variant type: single nucleotide variant.
Coding change: c.421G>A on transcript NM_001197104.2 (MANE Select); coding-DNA position 421, G replaced by A.
Protein change: p.Gly141Ser; replaces glycine 141 with serine.
Molecular consequence: missense variant.
Genome position (GRCh38, 1-based): chr11:118,436,933, G>A. VCF-style: chr11-118436933-G-A. GRCh37 (hg19) VCF-style: chr11-118307648-G-A.
Other names: c.421G>A, p.Gly141Ser (NM_001412597.1, NM_005933.4); short protein forms G141S.
Identifiers: ClinVar variation 1913819 (VCV001913819.5), dbSNP rs1323586763, ClinGen allele CA382798755.